The following is an entry in ClinVar:

NM_000256.3(MYBPC3):c.1678G>T (p.Asp560Tyr)

Gene: MYBPC3 (myosin binding protein C3; minus strand). Cytogenetic location: 11p11.2.
Variant type: single nucleotide variant.
Coding change: c.1678G>T on transcript NM_000256.3 (MANE Select); coding-DNA position 1678, G replaced by T.
Protein change: p.Asp560Tyr; replaces aspartic acid 560 with tyrosine.
Molecular consequence: missense variant.
Genome position (GRCh38, 1-based): chr11:47,342,103, C>A on the plus strand (G>T on the coding strand, the complement: MYBPC3 is on the minus strand). VCF-style: chr11-47342103-C-A. GRCh37 (hg19) VCF-style: chr11-47363654-C-A.
Other names: short protein forms D560Y.
Identifiers: ClinVar variation 1719301 (VCV001719301.5), dbSNP rs750030159, ClinGen allele CA380324391.

ClinVar aggregate classification (germline): Uncertain significance (1 of 4 stars; one submission).

Conditions:
Hypertrophic cardiomyopathy. Also called: HYPERTROPHIC MYOCARDIOPATHY. Identifiers: Orphanet 217569, MedGen C0007194, MeSH D002312, MONDO:0005045, HP:0001639.

gnomAD v4.1: 1 of 1,614,016 alleles (0.000062%); highest among the groups gnomAD compares: Non-Finnish European, 0.000085%; no homozygotes.

Submission:

Labcorp Genetics (formerly Invitae), Labcorp
Classification: Uncertain significance for Hypertrophic cardiomyopathy. Last evaluated: 2022-09-13. Review status: criteria provided, single submitter. Criteria: Invitae Variant Classification Sherloc (09022015). Collection method: clinical testing. Allele origin: germline.
Comment: In summary, the available evidence is currently insufficient to determine the role of this variant in disease. Therefore, it has been classified as a Variant of Uncertain Significance. Algorithms developed to predict the effect of missense changes on protein structure and function (SIFT, PolyPhen-2, Align-GVGD) all suggest that this variant is likely to be disruptive. This variant has not been reported in the literature in individuals affected with MYBPC3-related conditions. This variant is not present in population databases (gnomAD no frequency). This sequence change replaces aspartic acid, which is acidic and polar, with tyrosine, which is neutral and polar, at codon 560 of the MYBPC3 protein (p.Asp560Tyr).